The following is an entry in ClinVar:

ClinVar aggregate classification (germline): Pathogenic (1 of 4 stars; one submission).

Submission:

Labcorp Genetics (formerly Invitae), Labcorp
Classification: Pathogenic. Last evaluated: 2023-01-27. Review status: criteria provided, single submitter. Criteria: Invitae Variant Classification Sherloc (09022015). Collection method: clinical testing. Allele origin: germline.
Comment: This sequence change creates a premature translational stop signal (p.Val408Glyfs*61) in the HSPG2 gene. It is expected to result in an absent or disrupted protein product. Loss-of-function variants in HSPG2 are known to be pathogenic (PMID: 11279527, 16927315, 20542149, 23836246). This variant is not present in population databases (gnomAD no frequency). This variant has not been reported in the literature in individuals affected with HSPG2-related conditions. Algorithms developed to predict the effect of sequence changes on RNA splicing suggest that this variant may disrupt the consensus splice site. For these reasons, this variant has been classified as Pathogenic.

Literature cited by the submitters: PubMed 11279527; PubMed 16927315; PubMed 20542149; PubMed 23836246.

NM_005529.7(HSPG2):c.1222dup (p.Val408fs)

Gene: HSPG2 (heparan sulfate proteoglycan 2; minus strand). Cytogenetic location: 1p36.12.
Variant type: Duplication.
Coding change: c.1222dup on transcript NM_005529.7 (MANE Select); coding-DNA position 1222, one base duplicated (G; older notation c.1222dupG).
Protein change: p.Val408fs; shifts the reading frame from valine 408.
Molecular consequence: frameshift variant.
Genome position (GRCh38, 1-based): chr1:21,885,146, C duplicated on the plus strand (G on the coding strand, the reverse complement: HSPG2 is on the minus strand); the first of 2 consecutive C bases (chr1:21,885,146-21,885,147); duplicating either gives the same sequence. VCF-style (leftmost placement, unchanged base first): chr1-21885145-A-AC. GRCh37 (hg19) VCF-style: chr1-22211638-A-AC.
Other names: c.1222dup, p.Val408fs (NM_001291860.2); short protein forms V408fs.
Identifiers: ClinVar variation 2830828 (VCV002830828.3), dbSNP rs2550794884, ClinGen allele CA2739272351.